The following is an entry in ClinVar:

ClinVar aggregate classification (germline): Uncertain significance (1 of 4 stars; one submission).

Submission:

GeneDx
Classification: Uncertain significance. Last evaluated: 2024-10-01. Review status: criteria provided, single submitter. Criteria: GeneDx Variant Classification Process June 2021. Collection method: clinical testing. Allele origin: germline. Affected: yes.
Comment: Not observed at significant frequency in large population cohorts (gnomAD); In silico analysis indicates that this missense variant does not alter protein structure/function; Has not been previously published as pathogenic or benign to our knowledge

NM_013450.4(BAZ2B):c.2821A>G (p.Met941Val)

Gene: BAZ2B (bromodomain adjacent to zinc finger domain 2B; minus strand). Cytogenetic location: 2q24.2.
Variant type: single nucleotide variant.
Coding change: c.2821A>G on transcript NM_013450.4 (MANE Select); coding-DNA position 2821, A replaced by G.
Protein change: p.Met941Val; replaces methionine 941 with valine.
Molecular consequence: missense variant.
Genome position (GRCh38, 1-based): chr2:159,404,860, T>C on the plus strand (A>G on the coding strand, the complement: BAZ2B is on the minus strand). VCF-style: chr2-159404860-T-C. GRCh37 (hg19) VCF-style: chr2-160261371-T-C.
Other names: c.2713A>G, p.Met905Val (NM_001289975.1); c.2632A>G, p.Met878Val (NM_001329857.2); c.2719A>G, p.Met907Val (NM_001329858.2); short protein forms M878V, M905V, M907V, M941V.
Identifiers: ClinVar variation 3776611 (VCV003776611.1).